The following is an entry in ClinVar:

ClinVar aggregate classification (germline): Uncertain significance. Review status: criteria provided, multiple submitters, no conflicts (2 of 4 stars). 4 submissions from 4 submitters: Uncertain significance (4). Last evaluated 2025-03-22.

Conditions:
Inborn genetic diseases. Identifiers: MedGen C0950123, MeSH D030342.
Diffuse cerebral and cerebellar atrophy - intractable seizures - progressive microcephaly syndrome. Also called: Microcephaly, progressive, with seizures and cerebral and cerebellar atrophy. Identifiers: Orphanet 404437, MedGen C4014239, MONDO:0014335, OMIM 615760.

Allele frequency attached by ClinVar (database versions not stated): gnomAD exomes below 0.00001 and 0.00001; ExAC 0.00001; gnomAD 0.00001; TOPMed 0.00002.

Submissions (4):

Ambry Genetics
Classification: Uncertain significance for Inborn genetic diseases. Last evaluated: 2025-03-22. Review status: criteria provided, single submitter. Criteria: Ambry Variant Classification Scheme 2023. Collection method: clinical testing. Allele origin: germline.

Labcorp Genetics (formerly Invitae), Labcorp
Classification: Uncertain significance for Diffuse cerebral and cerebellar atrophy - intractable seizures - progressive microcephaly syndrome. Last evaluated: 2025-01-06. Review status: criteria provided, single submitter. Criteria: Invitae Variant Classification Sherloc (09022015). Collection method: clinical testing. Allele origin: germline.
Comment: This sequence change replaces arginine, which is basic and polar, with histidine, which is basic and polar, at codon 745 of the QARS protein (p.Arg745His). The frequency data for this variant in the population databases is considered unreliable, as metrics indicate poor data quality at this position in the gnomAD database. This variant has not been reported in the literature in individuals affected with QARS-related conditions. ClinVar contains an entry for this variant (Variation ID: 1312521). Invitae Evidence Modeling of protein sequence and biophysical properties (such as structural, functional, and spatial information, amino acid conservation, physicochemical variation, residue mobility, and thermodynamic stability) has been performed for this missense variant. However, the output from this modeling did not meet the statistical confidence thresholds required to predict the impact of this variant on QARS protein function. In summary, the available evidence is currently insufficient to determine the role of this variant in disease. Therefore, it has been classified as a Variant of Uncertain Significance.

Blueprint Genetics
Classification: Uncertain significance. Last evaluated: 2024-09-16. Review status: criteria provided, single submitter. Criteria: ACMG Guidelines, 2015. Collection method: clinical testing. Allele origin: germline.

GeneDx
Classification: Uncertain significance. Last evaluated: 2020-01-20. Review status: criteria provided, single submitter. Criteria: GeneDx Variant Classification Process June 2021. Collection method: clinical testing. Allele origin: germline. Affected: yes.
Comment: Not observed at a significant frequency in large population cohorts (Lek et al., 2016); In silico analysis, which includes protein predictors and evolutionary conservation, supports a deleterious effect; Has not been previously published as pathogenic or benign to our knowledge

NM_005051.3(QARS1):c.2234G>A (p.Arg745His)

Gene: QARS1 (glutaminyl-tRNA synthetase 1; minus strand). Cytogenetic location: 3p21.31.
Variant type: single nucleotide variant.
Coding change: c.2234G>A on transcript NM_005051.3 (MANE Select); coding-DNA position 2234, G replaced by A.
Protein change: p.Arg745His; replaces arginine 745 with histidine.
Molecular consequence: missense variant. On other transcripts: non-coding transcript variant (1).
Genome position (GRCh38, 1-based): chr3:49,098,035, C>T on the plus strand (G>A on the coding strand, the complement: QARS1 is on the minus strand). VCF-style: chr3-49098035-C-T. GRCh37 (hg19) VCF-style: chr3-49135468-C-T.
Other names: c.2234G>A (NM_005051.1); c.2201G>A, p.Arg734His (NM_001272073.2); short protein forms R734H, R745H.
Identifiers: ClinVar variation 1312521 (VCV001312521.7), dbSNP rs770019480, ClinGen allele CA2391471.